The following is an entry in ClinVar:

NM_003482.4(KMT2D):c.16154C>G (p.Ser5385Ter)

Gene: KMT2D (lysine methyltransferase 2D; minus strand). Cytogenetic location: 12q13.12.
Variant type: single nucleotide variant.
Coding change: c.16154C>G on transcript NM_003482.4 (MANE Select); coding-DNA position 16154, C replaced by G.
Protein change: p.Ser5385Ter; replaces serine 5385 with a stop codon.
Molecular consequence: nonsense.
Genome position (GRCh38, 1-based): chr12:49,022,774, G>C on the plus strand (C>G on the coding strand, the complement: KMT2D is on the minus strand). VCF-style: chr12-49022774-G-C. GRCh37 (hg19) VCF-style: chr12-49416557-G-C.
Other names: short protein forms S5385*.
Identifiers: ClinVar variation 2022421 (VCV002022421.4), dbSNP rs2137707335, ClinGen allele CA384678830.

ClinVar aggregate classification (germline): Pathogenic (1 of 4 stars; one submission).

Conditions:
Kabuki syndrome. Also called: Kabuki make-up syndrome; NIIKAWA-KUROKI SYNDROME. Identifiers: Orphanet 2322, MedGen C0796004, MONDO:0016512.

Submission:

Labcorp Genetics (formerly Invitae), Labcorp
Classification: Pathogenic for Kabuki syndrome. Last evaluated: 2022-12-20. Review status: criteria provided, single submitter. Criteria: Invitae Variant Classification Sherloc (09022015). Collection method: clinical testing. Allele origin: germline.
Comment: This sequence change creates a premature translational stop signal (p.Ser5385*) in the KMT2D gene. It is expected to result in an absent or disrupted protein product. Loss-of-function variants in KMT2D are known to be pathogenic (PMID: 22126750). This variant is not present in population databases (gnomAD no frequency). This variant has not been reported in the literature in individuals affected with KMT2D-related conditions. For these reasons, this variant has been classified as Pathogenic.

Literature cited by the submitters: PubMed 22126750.